The following is an entry in ClinVar:

NM_000317.3(PTS):c.163+14T>C

Gene: PTS (6-pyruvoyltetrahydropterin synthase; plus strand). Cytogenetic location: 11q23.1.
Variant type: single nucleotide variant.
Coding change: c.163+14T>C on transcript NM_000317.3 (MANE Select); 14 bases into the intron after coding-DNA position 163, T replaced by C.
Molecular consequence: intron variant.
Genome position (GRCh38, 1-based): chr11:112,228,687, T>C. VCF-style: chr11-112228687-T-C. GRCh37 (hg19) VCF-style: chr11-112099410-T-C.
Other names: p.?.
Identifiers: ClinVar variation 302498 (VCV000302498.19), dbSNP rs3819331, ClinGen allele CA6278481.
Genomic context (GRCh38, chr11:112,228,687, plus strand): 5'-GTTTGGGAAATGCAACAATCCAAATGGCCATGGGCACAATTATAAAGGTGAGAGAAAAAC[T>C]GATGACATTTCAGCCCTTCAATAAGGATGAAAGAGTATTCAGCAAATGTAGACATAAAGA-3'

ClinVar aggregate classification (germline): Benign. Review status: criteria provided, multiple submitters, no conflicts (2 of 4 stars). 6 submissions from 6 submitters: Benign (6). Last evaluated 2026-02-04.

Conditions:
6-Pyruvoyl-tetrahydrobiopterin synthase deficiency. Also called: 6-Pyruvoyltetrahydropterin Synthase Deficiency; BH4-deficient hyperphenylalaninemia A; PTS-Related Tetrahydrobiopterin Deficiency; PTS DEFICIENCY; HYPERPHENYLALANINEMIA, TETRAHYDROBIOPTERIN-DEFICIENT, DUE TO PTS DEFICIENCY; Hyperphenylalanemia, BH4-deficient, A. Identifiers: Orphanet 13, Orphanet 238583, MedGen C0878676, MONDO:0009863, OMIM 261640.

Allele frequency attached by ClinVar (database versions not stated): TOPMed 0.10961; gnomAD 0.10984 and 0.11954; ESP Exome Variant Server 0.10996; gnomAD exomes 0.15525 and 0.16603; 1000 Genomes Project 30x 0.17177; ExAC 0.17229; 1000 Genomes Project 0.17532.
gnomAD v4.1: 242,917 of 1,600,344 alleles (15%); highest among the groups gnomAD compares: South Asian, 32%; 21,332 homozygotes.

Submissions (6):

Labcorp Genetics (formerly Invitae), Labcorp
Classification: Benign for 6-Pyruvoyl-tetrahydrobiopterin synthase deficiency. Last evaluated: 2026-02-04. Review status: criteria provided, single submitter. Criteria: Invitae Variant Classification Sherloc (09022015). Collection method: clinical testing. Allele origin: germline.

Genome-Nilou Lab
Classification: Benign for 6-Pyruvoyl-tetrahydrobiopterin synthase deficiency. Last evaluated: 2021-07-01. Review status: criteria provided, single submitter. Criteria: ACMG Guidelines, 2015. Collection method: clinical testing. Allele origin: germline. Affected: no.

Mayo Clinic Laboratories, Mayo Clinic
Classification: Benign. Last evaluated: 2021-04-07. Review status: criteria provided, single submitter. Criteria: ACMG Guidelines, 2015. Collection method: clinical testing. Allele origin: germline. Observed: 3 variant alleles.

Illumina Laboratory Services, Illumina
Classification: Benign for 6-Pyruvoyl-tetrahydrobiopterin synthase deficiency. Last evaluated: 2018-01-13. Review status: criteria provided, single submitter. Criteria: ICSL Variant Classification Criteria 13 December 2019. Collection method: clinical testing. Allele origin: germline.
Comment: This variant was observed in the ICSL laboratory as part of a predisposition screen in an ostensibly healthy population. It had not been previously curated by ICSL or reported in the Human Gene Mutation Database (HGMD: prior to June 1st, 2018), and was therefore a candidate for classification through an automated scoring system. Utilizing variant allele frequency, disease prevalence and penetrance estimates, and inheritance mode, an automated score was calculated to assess if this variant is too frequent to cause the disease. Based on the score and internal cut-off values, a variant classified as benign is not then subjected to further curation. The score for this variant resulted in a classification of benign for this disease.

GeneDx
Classification: Benign. Last evaluated: 2015-03-03. Review status: criteria provided, single submitter. Criteria: GeneDx Variant Classification Process June 2021. Collection method: clinical testing. Allele origin: germline. Affected: yes.

Breakthrough Genomics
Classification: Benign. Review status: criteria provided, single submitter. Criteria: ACMG Guidelines, 2015. Collection method: not provided. Allele origin: germline. Inheritance: Autosomal recessive inheritance. Affected: yes.